The following is an entry in ClinVar:

NM_001042472.3(ABHD12):c.1006G>A (p.Val336Met)

Gene: ABHD12 (abhydrolase domain containing 12, lysophospholipase; minus strand). Cytogenetic location: 20p11.21.
Variant type: single nucleotide variant.
Coding change: c.1006G>A on transcript NM_001042472.3 (MANE Select); coding-DNA position 1006, G replaced by A.
Protein change: p.Val336Met; replaces valine 336 with methionine.
Molecular consequence: missense variant.
Genome position (GRCh38, 1-based): chr20:25,303,573, C>T on the plus strand (G>A on the coding strand, the complement: ABHD12 is on the minus strand). VCF-style: chr20-25303573-C-T. GRCh37 (hg19) VCF-style: chr20-25284209-C-T.
Other names: c.1006G>A, p.Val336Met (NM_015600.5); short protein forms V336M.
Identifiers: ClinVar variation 937386 (VCV000937386.9), dbSNP rs2088679091, ClinGen allele CA408455227.
Genomic context (GRCh38, chr20:25,303,573, plus strand): 5'-GATGCCAGCTACACCAGAGGCAGAGGCCAGGACCCACCTTTCTGCCAAGCTGGAAGGGCA[C>T]CACCGGGTCGTCCTCAGCGTGCAGGATGAGCAGGGGACAGGAGATGTGCTTCACGCTGTA-3'
Protein context (NP_001035937.1, residues 326-346): LILHAEDDPV[Val336Met]PFQLGRKLYS

ClinVar aggregate classification (germline): Uncertain significance (1 of 4 stars; one submission).

Allele frequency attached by ClinVar (database versions not stated): TOPMed 0.00001.

Submission:

Labcorp Genetics (formerly Invitae), Labcorp
Classification: Uncertain significance. Last evaluated: 2020-01-28. Review status: criteria provided, single submitter. Criteria: Invitae Variant Classification Sherloc (09022015). Collection method: clinical testing. Allele origin: germline.
Comment: In summary, the available evidence is currently insufficient to determine the role of this variant in disease. Therefore, it has been classified as a Variant of Uncertain Significance. Algorithms developed to predict the effect of missense changes on protein structure and function are either unavailable or do not agree on the potential impact of this missense change (SIFT: "Deleterious"; PolyPhen-2: "Probably Damaging"; Align-GVGD: "Class C0"). This variant has not been reported in the literature in individuals with ABHD12-related conditions. This variant is not present in population databases (ExAC no frequency). This sequence change replaces valine with methionine at codon 336 of the ABHD12 protein (p.Val336Met). The valine residue is highly conserved and there is a small physicochemical difference between valine and methionine.